The following is an entry in ClinVar:

NM_005912.3(MC4R):c.-27G>T

Gene: MC4R (melanocortin 4 receptor; minus strand). Cytogenetic location: 18q21.32.
Variant type: single nucleotide variant.
Coding change: c.-27G>T on transcript NM_005912.3 (MANE Select); 27 bases upstream of the start codon, G replaced by T.
Molecular consequence: 5 prime UTR variant.
Genome position (GRCh38, 1-based): chr18:60,372,376, C>A on the plus strand (G>T on the coding strand, the complement: MC4R is on the minus strand). VCF-style: chr18-60372376-C-A. GRCh37 (hg19) VCF-style: chr18-58039609-C-A.
Identifiers: ClinVar variation 4978862 (VCV004978862.1).
Genomic context (GRCh38, chr18:60,372,376, plus strand): 5'-AAGTGTGCATCCCACGGTGGGTGGAGTTCACCATGCTGGCAGGAGAATTCCAGTGTCCCC[C>A]TGAATTGATTTAACCTCCTGGGTCAGGGAGTCGTCTCAGTTATTTCCTCCAAGTCTTTAT-3'

ClinVar aggregate classification (germline): Likely benign (1 of 4 stars; one submission).

Conditions:
MC4R-related disorder. Also called: MC4R-related condition.

Submission:

PreventionGenetics, part of Exact Sciences
Classification: Likely benign for MC4R-related condition. Last evaluated: 2024-12-05. Review status: criteria provided, single submitter. Criteria: ACMG Guidelines, 2015. Collection method: clinical testing. Allele origin: germline.
Comment: This variant is classified as likely benign based on ACMG/AMP sequence variant interpretation guidelines (Richards et al. 2015 PMID: 25741868, with internal and published modifications).